The following is an entry in ClinVar:

ClinVar aggregate classification (germline): Pathogenic/Likely pathogenic. Review status: criteria provided, multiple submitters, no conflicts (2 of 4 stars). 2 submissions from 2 submitters: Pathogenic (1); Likely pathogenic (1). Last evaluated 2025-09-22.

Conditions:
USH1G-related disorder. Also called: USH1G-related disorders; USH1G-related condition.

Submissions (2):

Labcorp Genetics (formerly Invitae), Labcorp
Classification: Pathogenic. Last evaluated: 2025-09-22. Review status: criteria provided, single submitter. Criteria: Invitae Variant Classification Sherloc (09022015). Collection method: clinical testing. Allele origin: germline.
Comment: This sequence change creates a premature translational stop signal (p.Phe83*) in the USH1G gene. It is expected to result in an absent or disrupted protein product. Loss-of-function variants in USH1G are known to be pathogenic (PMID: 12588794, 22219650). This variant is present in population databases (no rsID available, gnomAD 0.0004%). This variant has not been reported in the literature in individuals affected with USH1G-related conditions. ClinVar contains an entry for this variant (Variation ID: 1457749). For these reasons, this variant has been classified as Pathogenic.

Blueprint Genetics
Classification: Likely pathogenic for USH1G-related disorders. Last evaluated: 2024-05-27. Review status: criteria provided, single submitter. Criteria: ACMG Guidelines, 2015. Collection method: clinical testing. Allele origin: germline. Affected: yes. Observed: 3 variant alleles.

Literature cited by the submitters: PubMed 12588794 (cited by Labcorp Genetics (formerly Invitae), Labcorp); PubMed 22219650 (cited by Labcorp Genetics (formerly Invitae), Labcorp).

NM_173477.5(USH1G):c.248_249delinsAA (p.Phe83Ter)

Gene: USH1G (USH1 protein network component sans; minus strand). Cytogenetic location: 17q25.1.
Variant type: Indel.
Coding change: c.248_249delinsAA on transcript NM_173477.5 (MANE Select); coding-DNA positions 248 to 249, TC replaced by AA.
Protein change: p.Phe83Ter; replaces phenylalanine 83 with a stop codon.
Molecular consequence: nonsense. On other transcripts: 5 prime UTR variant (1).
Genome position (GRCh38, 1-based): chr17:74,920,587-74,920,588, GA replaced by TT on the plus strand (TC replaced by AA on the coding strand, the reverse complement: USH1G is on the minus strand). VCF-style: chr17-74920587-GA-TT. GRCh37 (hg19) VCF-style: chr17-72916682-GA-TT.
Other names: c.-62_-61delinsAA (NM_001282489.3); short protein forms F83*.
Identifiers: ClinVar variation 1457749 (VCV001457749.7), dbSNP rs2144755488, ClinGen allele CA2573154823.
Genomic context (GRCh38, chr17:74,920,587, plus strand): 5'-GTCCAGCGGCGTGTGGTAGTCGTTGTCTAGGCACCAGATGTTGGCTCCGAAGGACACCAG[GA>TT]AGGACAGGCAGTGCAAGTGGCCATTGGAAGCTGCCAGATGCAGGGGTGTGTTGCCCCAGA-3'